The following is an entry in ClinVar:

ClinVar aggregate classification (germline): Uncertain significance (1 of 4 stars; one submission).

Conditions:
Duchenne muscular dystrophy (DMD). Also called: Duchenne Muscular Dystrophy (DMD); MUSCULAR DYSTROPHY, PSEUDOHYPERTROPHIC PROGRESSIVE, DUCHENNE TYPE. Identifiers: Orphanet 98896, MedGen C0013264, MONDO:0010679, OMIM 310200.

Submission:

Labcorp Genetics (formerly Invitae), Labcorp
Classification: Uncertain significance for Duchenne muscular dystrophy. Last evaluated: 2021-09-30. Review status: criteria provided, single submitter. Criteria: Invitae Variant Classification Sherloc (09022015). Collection method: clinical testing. Allele origin: germline.
Comment: In summary, the available evidence is currently insufficient to determine the role of this variant in disease. Therefore, it has been classified as a Variant of Uncertain Significance. Algorithms developed to predict the effect of missense changes on protein structure and function are either unavailable or do not agree on the potential impact of this missense change (SIFT: "Deleterious"; PolyPhen-2: "Possibly Damaging"; Align-GVGD: "Class C15"). This variant has not been reported in the literature in individuals affected with DMD-related conditions. This variant is not present in population databases (ExAC no frequency). This sequence change replaces serine with cysteine at codon 2280 of the DMD protein (p.Ser2280Cys). The serine residue is highly conserved and there is a moderate physicochemical difference between serine and cysteine.

NM_004006.3(DMD):c.6838A>T (p.Ser2280Cys)

Gene: DMD (dystrophin; minus strand). Cytogenetic location: Xp21.1.
Variant type: single nucleotide variant.
Coding change: c.6838A>T on transcript NM_004006.3 (MANE Select); coding-DNA position 6838, A replaced by T.
Protein change: p.Ser2280Cys; replaces serine 2280 with cysteine.
Molecular consequence: missense variant. On other transcripts: 5 prime UTR variant (5).
Genome position (GRCh38, 1-based): chrX:31,929,670, T>A on the plus strand (A>T on the coding strand, the complement: DMD is on the minus strand). VCF-style: chrX-31929670-T-A. GRCh37 (hg19) VCF-style: chrX-31947787-T-A.
Other names: c.6814A>T, p.Ser2272Cys (NM_000109.4); c.6826A>T, p.Ser2276Cys (NM_004009.3); c.6469A>T, p.Ser2157Cys (NM_004010.3); c.2815A>T, p.Ser939Cys (NM_004011.4); c.2806A>T, p.Ser936Cys (NM_004012.4); c.-543A>T (NM_004013.3, NM_004020.4, NM_004021.3 and 2 more transcripts); short protein forms S2157C, S2280C, S936C, S939C, S2272C, S2276C.
Identifiers: ClinVar variation 1466304 (VCV001466304.6), dbSNP rs767538299, ClinGen allele CA412657917.